The following is an entry in ClinVar:

NM_152296.5(ATP1A3):c.1996G>A (p.Glu666Lys)

Gene: ATP1A3 (ATPase Na+/K+ transporting subunit alpha 3; minus strand). Cytogenetic location: 19q13.2.
Variant type: single nucleotide variant.
Coding change: c.1996G>A on transcript NM_152296.5 (MANE Select); coding-DNA position 1996, G replaced by A.
Protein change: p.Glu666Lys; replaces glutamic acid 666 with lysine.
Molecular consequence: missense variant.
Genome position (GRCh38, 1-based): chr19:41,976,514, C>T on the plus strand (G>A on the coding strand, the complement: ATP1A3 is on the minus strand). VCF-style: chr19-41976514-C-T. GRCh37 (hg19) VCF-style: chr19-42480666-C-T.
Other names: c.2029G>A, p.Glu677Lys (NM_001256213.2); c.2035G>A, p.Glu679Lys (NM_001256214.2); short protein forms E679K, E677K, E666K.
Identifiers: ClinVar variation 4741637 (VCV004741637.1).

ClinVar aggregate classification (germline): Uncertain significance (1 of 4 stars; one submission).

Conditions:
Dystonia 12 (DYT12). Also called: Rapid-Onset Dystonia-Parkinsonism (RDP); DYT-ATP1A3. Identifiers: Orphanet 71517, MedGen C1868681, MONDO:0007496, OMIM 128235.

gnomAD v4.1: 6 of 1,614,014 alleles (0.00037%); highest among the groups gnomAD compares: African/African-American, 0.0013%; no homozygotes.

Submission:

Labcorp Genetics (formerly Invitae), Labcorp
Classification: Uncertain significance for Dystonia 12. Last evaluated: 2025-02-26. Review status: criteria provided, single submitter. Criteria: Invitae Variant Classification Sherloc (09022015). Collection method: clinical testing. Allele origin: germline.
Comment: This sequence change replaces glutamic acid, which is acidic and polar, with lysine, which is basic and polar, at codon 666 of the ATP1A3 protein (p.Glu666Lys). This variant is present in population databases (rs782395799, gnomAD 0.0009%). This missense change has been observed in individual(s) with clinical features of ATP1A3-related conditions (internal data). Invitae Evidence Modeling of protein sequence and biophysical properties (such as structural, functional, and spatial information, amino acid conservation, physicochemical variation, residue mobility, and thermodynamic stability) has been performed for this missense variant. However, the output from this modeling did not meet the statistical confidence thresholds required to predict the impact of this variant on ATP1A3 protein function. In summary, the available evidence is currently insufficient to determine the role of this variant in disease. Therefore, it has been classified as a Variant of Uncertain Significance.